The following is an entry in ClinVar:

NM_006648.4(WNK2):c.1838A>G (p.Asp613Gly)

Gene: WNK2 (WNK lysine deficient protein kinase 2; plus strand). Cytogenetic location: 9q22.31.
Variant type: single nucleotide variant.
Coding change: c.1838A>G on transcript NM_006648.4 (MANE Select); coding-DNA position 1838, A replaced by G.
Protein change: p.Asp613Gly; replaces aspartic acid 613 with glycine.
Molecular consequence: missense variant.
Genome position (GRCh38, 1-based): chr9:93,252,886, A>G. VCF-style: chr9-93252886-A-G. GRCh37 (hg19) VCF-style: chr9-96015168-A-G.
Other names: c.1838A>G, p.Asp613Gly (NM_001282394.3); short protein forms D613G.
Identifiers: ClinVar variation 5031805 (VCV005031805.1).
Genomic context (GRCh38, chr9:93,252,886, plus strand): 5'-TTTGTTCATGTGACATTTGGAGATGTCCACTCTAAGTCCTGCTTTTGTCCTCCCCAGCGG[A>G]CAGCACCTTCGACAGCGGCCAGGGCTCTACCGTGTACTCAGACTCGCAGAGCAGCCAGCA-3'
Protein context (NP_006639.3, residues 603-623): LPTSATSLAS[Asp613Gly]STFDSGQGST

ClinVar aggregate classification (germline): Uncertain significance (1 of 4 stars; one submission).

Submission:

Ambry Genetics
Classification: Uncertain significance. Last evaluated: 2026-06-24. Review status: criteria provided, single submitter. Criteria: Ambry Variant Classification Scheme 2023. Collection method: clinical testing. Allele origin: germline.
Comment: The p.D613G variant (also known as c.1838A>G), located in coding exon 8 of the WNK2 gene, results from an A to G substitution at nucleotide position 1838. The aspartic acid at codon 613 is replaced by glycine, an amino acid with similar properties. This amino acid position is conserved. In addition, the in silico prediction for this alteration is inconclusive. Based on the available evidence, the clinical significance of this variant remains unclear.